The following is an entry in ClinVar:

ClinVar aggregate classification (germline): Uncertain significance. Review status: criteria provided, multiple submitters, no conflicts (2 of 4 stars). 2 submissions from 2 submitters: Uncertain significance (2). Last evaluated 2026-03-31.

Submissions (2):

GeneDx
Classification: Uncertain significance. Last evaluated: 2026-03-31. Review status: criteria provided, single submitter. Criteria: GeneDx Variant Classification Process June 2021. Collection method: clinical testing. Allele origin: germline.
Comment: Not observed at significant frequency in large population cohorts (gnomAD); In silico analysis supports a deleterious effect on splicing; Has not been previously published as pathogenic or benign to our knowledge

CeGaT Center for Human Genetics Tuebingen
Classification: Uncertain significance. Last evaluated: 2023-11-01. Review status: criteria provided, single submitter. Criteria: CeGaT Center For Human Genetics Tuebingen Variant Classification Criteria Version 2. Collection method: clinical testing. Allele origin: germline. Affected: yes. Observed: 1 variant allele.
Comment: KMT2B: PM2, PP3

NM_014727.3(KMT2B):c.7049+3G>C

Gene: KMT2B (lysine methyltransferase 2B; plus strand). Cytogenetic location: 19q13.12.
Variant type: single nucleotide variant.
Coding change: c.7049+3G>C on transcript NM_014727.3 (MANE Select); 3 bases into the intron after coding-DNA position 7049, G replaced by C.
Molecular consequence: intron variant.
Genome position (GRCh38, 1-based): chr19:35,733,689, G>C. VCF-style: chr19-35733689-G-C. GRCh37 (hg19) VCF-style: chr19-36224590-G-C.
Identifiers: ClinVar variation 2672757 (VCV002672757.24), dbSNP rs1270691641, ClinGen allele CA2584575347.